The following is an entry in ClinVar:

ClinVar aggregate classification (germline): Uncertain significance (1 of 4 stars; one submission).

Conditions:
Early Myoclonic Encephalopathy. Identifiers: MedGen C0270855.

Submission:

Labcorp Genetics (formerly Invitae), Labcorp
Classification: Uncertain significance for Early Myoclonic Encephalopathy. Last evaluated: 2023-05-15. Review status: criteria provided, single submitter. Criteria: Invitae Variant Classification Sherloc (09022015). Collection method: clinical testing. Allele origin: germline.
Comment: In summary, the available evidence is currently insufficient to determine the role of this variant in disease. Therefore, it has been classified as a Variant of Uncertain Significance. Advanced modeling of protein sequence and biophysical properties (such as structural, functional, and spatial information, amino acid conservation, physicochemical variation, residue mobility, and thermodynamic stability) performed at Invitae indicates that this missense variant is not expected to disrupt JMJD1C protein function. This variant has not been reported in the literature in individuals affected with JMJD1C-related conditions. This variant is not present in population databases (gnomAD no frequency). This sequence change replaces alanine, which is neutral and non-polar, with threonine, which is neutral and polar, at codon 1240 of the JMJD1C protein (p.Ala1240Thr).

NM_032776.3(JMJD1C):c.3718G>A (p.Ala1240Thr)

Gene: JMJD1C (jumonji domain containing 1C; minus strand). Cytogenetic location: 10q21.3.
Variant type: single nucleotide variant.
Coding change: c.3718G>A on transcript NM_032776.3 (MANE Select); coding-DNA position 3718, G replaced by A.
Protein change: p.Ala1240Thr; replaces alanine 1240 with threonine.
Molecular consequence: missense variant. On other transcripts: non-coding transcript variant (1).
Genome position (GRCh38, 1-based): chr10:63,207,951, C>T on the plus strand (G>A on the coding strand, the complement: JMJD1C is on the minus strand). VCF-style: chr10-63207951-C-T. GRCh37 (hg19) VCF-style: chr10-64967711-C-T.
Other names: c.3172G>A, p.Ala1058Thr (NM_001282948.2, NM_001318154.2); c.2854G>A, p.Ala952Thr (NM_001318153.2); c.3604G>A, p.Ala1202Thr (NM_001322252.2); c.3061G>A, p.Ala1021Thr (NM_001322254.2, NM_001322258.2); short protein forms A1058T, A1240T, A952T, A1021T, A1202T.
Identifiers: ClinVar variation 2798639 (VCV002798639.3), dbSNP rs2492685946, ClinGen allele CA377040481.
Genomic context (GRCh38, chr10:63,207,951, plus strand): 5'-AGTCTTTTGGTTCGGGTATTAGAGTTGGAGGCTTCTGTGATTCTTGAACTTTACCACCAG[C>T]ATTTACTGGCATCACCGGAGTTAAAGTTGGAGGGGAAAGACTACTATAGCTGCCTTCCTT-3'
Protein context (NP_116165.1, residues 1230-1250): PTLTPVMPVN[Ala1240Thr]GGKVQESQKP